The following is an entry in ClinVar:

ClinVar aggregate classification (germline): Uncertain significance. Review status: criteria provided, multiple submitters, no conflicts (2 of 4 stars). 2 submissions from 2 submitters: Uncertain significance (2). Last evaluated 2025-06-14.

Conditions:
Paroxysmal nonkinesigenic dyskinesia. Also called: Paroxysmal non-kinesigenic dyskinesia. Identifiers: Orphanet 98810, MedGen C1869117, MONDO:0700088.
Paroxysmal nonkinesigenic dyskinesia 1 (PNKD1). Also called: DYSTONIA 8; Nonkinesigenic choreoathetosis; Familial paroxysmal choreoathetosis; PxMD-PNKD; MOUNT-REBACK SYNDROME; PAROXYSMAL DYSTONIC CHOREOATHETOSIS. Identifiers: Orphanet 98810, MedGen C4551506, MONDO:0700089, OMIM 118800, MONDO:0007326.

Allele frequency attached by ClinVar (database versions not stated): ExAC 0.00002; gnomAD exomes 0.00002; gnomAD 0.00003; TOPMed 0.00005; ESP Exome Variant Server 0.00008.
gnomAD v4.1: 33 of 1,592,704 alleles (0.0021%); highest among the groups gnomAD compares: African/African-American, 0.004%; no homozygotes.

Submissions (2):

Labcorp Genetics (formerly Invitae), Labcorp
Classification: Uncertain significance for Paroxysmal nonkinesigenic dyskinesia. Last evaluated: 2025-06-14. Review status: criteria provided, single submitter. Criteria: Invitae Variant Classification Sherloc (09022015). Collection method: clinical testing. Allele origin: germline.
Comment: This sequence change replaces arginine, which is basic and polar, with glutamine, which is neutral and polar, at codon 311 of the PNKD protein (p.Arg311Gln). The frequency data for this variant in the population databases is considered unreliable, as metrics indicate poor data quality at this position in the gnomAD database. This variant has not been reported in the literature in individuals affected with PNKD-related conditions. ClinVar contains an entry for this variant (Variation ID: 943951). Invitae Evidence Modeling of protein sequence and biophysical properties (such as structural, functional, and spatial information, amino acid conservation, physicochemical variation, residue mobility, and thermodynamic stability) indicates that this missense variant is not expected to disrupt PNKD protein function with a negative predictive value of 80%. In summary, the available evidence is currently insufficient to determine the role of this variant in disease. Therefore, it has been classified as a Variant of Uncertain Significance.

Genetics and Molecular Pathology, SA Pathology
Classification: Uncertain significance for Paroxysmal nonkinesigenic dyskinesia 1. Last evaluated: 2020-04-27. Review status: criteria provided, single submitter. Criteria: ACMG Guidelines, 2015. Collection method: clinical testing. Allele origin: germline. Affected: yes.
Comment: The PNKD c.932G>A variant is a single nucleotide change from a guanine to an adenine at position 932 which is predicted to change the arginine at position 311 in the protein to glutamine. The variant is in exon 11 and is located in the Hydroxyacylglutathione hydrolase domain. The variant has not been described in the literature to date. The variant has been reported in dbSNP (rs61745358) but is rare in population databases (gnomAD 5/245462, 0 homozygotes) (PM2). The variant has not been reported in the ClinVar or HGMD disease databases. Computational predictions support a deleterious effect on the gene or gene product (PP3).

NM_015488.5(PNKD):c.932G>A (p.Arg311Gln)

Genes: CATIP-AS2 (CATIP antisense RNA 2; minus strand), PNKD (PNKD metallo-beta-lactamase domain containing; plus strand). Cytogenetic location: 2q35.
Variant type: single nucleotide variant.
Coding change: c.932G>A on transcript NM_015488.5 (MANE Select); coding-DNA position 932, G replaced by A.
Protein change: p.Arg311Gln; replaces arginine 311 with glutamine.
Molecular consequence: missense variant.
Genome position (GRCh38, 1-based): chr2:218,344,518, G>A. VCF-style: chr2-218344518-G-A. GRCh37 (hg19) VCF-style: chr2-219209241-G-A.
Other names: c.860G>A, p.Arg287Gln (NM_022572.5); short protein forms R287Q, R311Q.
Identifiers: ClinVar variation 943951 (VCV000943951.9), dbSNP rs61745358, ClinGen allele CA2104156.
Genomic context (GRCh38, chr2:218,344,518, plus strand): 5'-ATGAGTATGCAGAGGAGAACCTGGGCTTTGCAGGTGTGGTGGAGCCCGAGAACCTGGCCC[G>A]GGAGAGGAAGATGCAGTGGGTGCAGCGGCAGCGGCTGGAGCGCAAGGGCACGGTGAGGGA-3'
Protein context (NP_056303.3, residues 301-321): AGVVEPENLA[Arg311Gln]ERKMQWVQRQ